The following is an entry in ClinVar:

NM_000353.3(TAT):c.177dup (p.Val60fs)

Gene: TAT (tyrosine aminotransferase; minus strand). Cytogenetic location: 16q22.2.
Variant type: Duplication.
Coding change: c.177dup on transcript NM_000353.3 (MANE Select); coding-DNA position 177, one base duplicated (T; older notation c.177dupT).
Protein change: p.Val60fs; shifts the reading frame from valine 60.
Molecular consequence: frameshift variant.
Genome position (GRCh38, 1-based): chr16:71,576,239, A duplicated on the plus strand (T on the coding strand, the reverse complement: TAT is on the minus strand); the first of 2 consecutive A bases (chr16:71,576,239-71,576,240); duplicating either gives the same sequence. VCF-style (leftmost placement, unchanged base first): chr16-71576238-C-CA. GRCh37 (hg19) VCF-style: chr16-71610141-C-CA.
Other names: c.177dupT (NM_000353.2); short protein forms V60fs.
Identifiers: ClinVar variation 557491 (VCV000557491.12), dbSNP rs1555538156, ClinGen allele CA658825109.

ClinVar aggregate classification (germline): Pathogenic. Review status: criteria provided, multiple submitters, no conflicts (2 of 4 stars). 3 submissions from 3 submitters: Pathogenic (2). 1 of the submissions does not count toward it. Last evaluated 2024-02-28.

Conditions:
Tyrosinemia type II (TYRSN2). Also called: KERATOSIS PALMOPLANTARIS WITH CORNEAL DYSTROPHY; OREGON TYPE TYROSINEMIA; TAT DEFICIENCY; TYROSINE AMINOTRANSFERASE DEFICIENCY; TYROSINE TRANSAMINASE DEFICIENCY. Identifiers: Orphanet 28378, MedGen C0268487, MONDO:0010160, OMIM 276600.

Submissions (3):

Baylor Genetics
Classification: Pathogenic for Tyrosinemia type II. Last evaluated: 2024-02-28. Review status: criteria provided, single submitter. Criteria: ACMG Guidelines, 2015. Collection method: clinical testing. Allele origin: unknown.

Labcorp Genetics (formerly Invitae), Labcorp
Classification: Pathogenic for Tyrosinemia type II. Last evaluated: 2023-08-09. Review status: criteria provided, single submitter. Criteria: Invitae Variant Classification Sherloc (09022015). Collection method: clinical testing. Allele origin: germline.
Comment: For these reasons, this variant has been classified as Pathogenic. ClinVar contains an entry for this variant (Variation ID: 557491). This premature translational stop signal has been observed in individual(s) with clinical features of tyrosinemia type II (PMID: 27832414). This variant is not present in population databases (gnomAD no frequency). This sequence change creates a premature translational stop signal (p.Val60Cysfs*33) in the TAT gene. It is expected to result in an absent or disrupted protein product. Loss-of-function variants in TAT are known to be pathogenic (PMID: 9544843).

Counsyl
Classification: Likely pathogenic for Tyrosinemia type II. Last evaluated: 2018-04-02. Review status: no assertion criteria provided. Collection method: clinical testing. Allele origin: unknown. Not counted in ClinVar's aggregate classification.

Literature cited by the submitters: PubMed 27832414 (cited by Labcorp Genetics (formerly Invitae), Labcorp and Counsyl); PubMed 9544843 (cited by Labcorp Genetics (formerly Invitae), Labcorp).